The following is an entry in ClinVar:

ClinVar aggregate classification (germline): Likely benign. Review status: criteria provided, multiple submitters, no conflicts (2 of 4 stars). 5 submissions from 5 submitters: Likely benign (5). Last evaluated 2025-12-20.

Conditions:
PKD1-related disorder. Also called: PKD1-related condition.
Polycystic kidney disease, adult type (PKD1). Also called: Polycystic Kidney, Autosomal Dominant; POLYCYSTIC KIDNEY DISEASE, ADULT, TYPE I; Polycystic Kidney Disease 1, Autosomal Dominant; Polycystic kidney disease 1; Polycystic kidney disease 1, severe; POLYCYSTIC KIDNEY DISEASE 1 WITH OR WITHOUT POLYCYSTIC LIVER DISEASE. Identifiers: MedGen C3149841, MONDO:0008263, OMIM 173900.

Allele frequency attached by ClinVar (database versions not stated): gnomAD 0.00002 and 0.00005; TOPMed 0.00004.
gnomAD v4.1: 195 of 1,596,548 alleles (0.012%); highest among the groups gnomAD compares: Middle Eastern, 0.15%; 6 homozygotes.

Submissions (5):

PreventionGenetics, part of Exact Sciences
Classification: Likely benign for PKD1-related condition. Last evaluated: 2025-12-20. Review status: criteria provided, single submitter. Criteria: ACMG Guidelines, 2015. Collection method: clinical testing. Allele origin: germline.
Comment: This variant is classified as likely benign based on ACMG/AMP sequence variant interpretation guidelines (Richards et al. 2015 PMID: 25741868, with internal and published modifications).

CeGaT Center for Human Genetics Tuebingen
Classification: Likely benign. Last evaluated: 2025-11-01. Review status: criteria provided, single submitter. Criteria: CeGaT Center For Human Genetics Tuebingen Variant Classification Criteria Version 2. Collection method: clinical testing. Allele origin: germline. Affected: yes. Observed: 2 variant alleles.
Comment: PKD1: BP4, BP7

Blueprint Genetics
Classification: Likely benign. Last evaluated: 2024-09-12. Review status: criteria provided, single submitter. Criteria: ACMG Guidelines, 2015. Collection method: clinical testing. Allele origin: germline.

ARUP Laboratories, Molecular Genetics and Genomics, ARUP Laboratories
Classification: Likely benign for Polycystic kidney disease, adult type. Last evaluated: 2020-04-22. Review status: criteria provided, single submitter. Criteria: ARUP Molecular Germline Variant Investigation Process. Collection method: clinical testing. Allele origin: germline.

Department of Pathology and Laboratory Medicine, Sinai Health System
Classification: Likely benign for Polycystic kidney disease, adult type. Last evaluated: 2020-04-07. Review status: criteria provided, single submitter. Criteria: ACMG Guidelines, 2015. Collection method: clinical testing. Allele origin: germline. Affected: yes.

NM_001009944.3(PKD1):c.12486C>A (p.Pro4162=)

Gene: PKD1 (polycystin 1, transient receptor potential channel interacting; minus strand). Cytogenetic location: 16p13.3.
Variant type: single nucleotide variant.
Coding change: c.12486C>A on transcript NM_001009944.3 (MANE Select); coding-DNA position 12486, C replaced by A.
Protein change: p.Pro4162=; no amino-acid change (proline 4162 retained).
Molecular consequence: synonymous variant.
Genome position (GRCh38, 1-based): chr16:2,090,153, G>T on the plus strand (C>A on the coding strand, the complement: PKD1 is on the minus strand). VCF-style: chr16-2090153-G-T. GRCh37 (hg19) VCF-style: chr16-2140154-G-T.
Other names: c.12486C>A (NM_001009944.2); c.12483C>A, p.Pro4161= (NM_000296.4).
Identifiers: ClinVar variation 994329 (VCV000994329.35), dbSNP rs759210811, ClinGen allele CA7828574.